The following is an entry in ClinVar:

ClinVar aggregate classification (germline): Benign (1 of 4 stars; one submission).

Conditions:
Von Hippel-Lindau syndrome (VHLS). Also called: Von Hippel-Lindau; von Hippel–Lindau syndrome; VHL syndrome. Identifiers: Orphanet 892, MedGen C0019562, MONDO:0008667, OMIM 193300. Disease mechanism: loss of function.

Submission:

Myriad Genetics, Inc.
Classification: Benign for Von Hippel-Lindau syndrome. Last evaluated: 2025-06-12. Review status: criteria provided, single submitter. Criteria: Myriad Autosomal Dominant, Autosomal Recessive and X-Linked Classification Criteria (2023). Collection method: clinical testing. Allele origin: unknown.
Comment: This variant is considered benign. This variant is a silent/synonymous amino acid change and it is not expected to impact splicing.

NM_000551.4(VHL):c.486C>T (p.Cys162=)

Genes: VHL (von Hippel-Lindau tumor suppressor; plus strand), LOC107303340 (3p25 von Hippel-Lindau tumor suppressor, E3 ubiquitin protein ligase Alu-mediated recombination region; plus strand). Cytogenetic location: 3p25.3.
Variant type: single nucleotide variant.
Coding change: c.486C>T on transcript NM_000551.4 (MANE Select); coding-DNA position 486, C replaced by T.
Protein change: p.Cys162=; no amino-acid change (cysteine 162 retained).
Molecular consequence: synonymous variant. On other transcripts: 3 prime UTR variant (1), non-coding transcript variant (1).
Genome position (GRCh38, 1-based): chr3:10,149,809, C>T. VCF-style: chr3-10149809-C-T. GRCh37 (hg19) VCF-style: chr3-10191493-C-T.
Other names: c.*40C>T (NM_001354723.2); c.363C>T, p.Cys121= (NM_198156.3).
Identifiers: ClinVar variation 4071251 (VCV004071251.1).